The following is an entry in ClinVar:

ClinVar aggregate classification (germline): Uncertain significance. Review status: criteria provided, multiple submitters, no conflicts (2 of 4 stars). 2 submissions from 2 submitters: Uncertain significance (2). Last evaluated 2023-06-13.

Conditions:
PCSK5-related disorder. Also called: PCSK5-related condition.

Allele frequency attached by ClinVar (database versions not stated): ExAC 0.00046; gnomAD 0.00050; TOPMed 0.00052; gnomAD exomes 0.00098; ESP Exome Variant Server 0.00105.
gnomAD v4.1: 1,486 of 1,574,066 alleles (0.094%); highest among the groups gnomAD compares: Non-Finnish European, 0.12%; 2 homozygotes.

Submissions (2):

PreventionGenetics, part of Exact Sciences
Classification: Uncertain significance for PCSK5-related condition. Last evaluated: 2023-06-13. Review status: criteria provided, single submitter. Criteria: ACMG Guidelines, 2015. Collection method: clinical testing. Allele origin: germline.
Comment: The PCSK5 c.3620T>C variant is predicted to result in the amino acid substitution p.Leu1207Pro. To our knowledge, this variant has not been reported in the literature. This variant is reported in 0.083% of alleles in individuals of European (Non-Finnish) descent in gnomAD. Although we suspect that this variant may be benign, at this time, the clinical significance of this variant is uncertain due to the absence of conclusive functional and genetic evidence.

Ambry Genetics
Classification: Uncertain significance. Last evaluated: 2021-08-30. Review status: criteria provided, single submitter. Criteria: Ambry Variant Classification Scheme 2023. Collection method: clinical testing. Allele origin: germline.

NM_001372043.1(PCSK5):c.3701T>C (p.Leu1234Pro)

Gene: PCSK5 (proprotein convertase subtilisin/kexin type 5; plus strand). Cytogenetic location: 9q21.13.
Variant type: single nucleotide variant.
Coding change: c.3701T>C on transcript NM_001372043.1 (MANE Select); coding-DNA position 3701, T replaced by C.
Protein change: p.Leu1234Pro; replaces leucine 1234 with proline.
Molecular consequence: missense variant.
Genome position (GRCh38, 1-based): chr9:76,310,668, T>C. VCF-style: chr9-76310668-T-C. GRCh37 (hg19) VCF-style: chr9-78925584-T-C.
Other names: c.3620T>C, p.Leu1207Pro (NM_001190482.2); short protein forms L1207P, L1234P.
Identifiers: ClinVar variation 2634479 (VCV002634479.2), dbSNP rs199818235, ClinGen allele CA5087676.